The following is an entry in ClinVar:

NM_000702.4(ATP1A2):c.2944G>C (p.Val982Leu)

Gene: ATP1A2 (ATPase Na+/K+ transporting subunit alpha 2; plus strand). Cytogenetic location: 1q23.2.
Variant type: single nucleotide variant.
Coding change: c.2944G>C on transcript NM_000702.4 (MANE Select); coding-DNA position 2944, G replaced by C.
Protein change: p.Val982Leu; replaces valine 982 with leucine.
Molecular consequence: missense variant.
Genome position (GRCh38, 1-based): chr1:160,139,894, G>C. VCF-style: chr1-160139894-G-C. GRCh37 (hg19) VCF-style: chr1-160109684-G-C.
Other names: short protein forms V982L.
Identifiers: ClinVar variation 2243313 (VCV002243313.4), dbSNP rs772872949, ClinGen allele CA1194900.

ClinVar aggregate classification (germline): Uncertain significance. Review status: criteria provided, multiple submitters, no conflicts (2 of 4 stars). 2 submissions from 2 submitters: Uncertain significance (2). Last evaluated 2021-08-12.

Conditions:
Fetal akinesia, respiratory insufficiency, microcephaly, polymicrogyria, and dysmorphic facies. Identifiers: MedGen C5562015, MONDO:0859204, OMIM 619602.
Inborn genetic diseases. Identifiers: MedGen C0950123, MeSH D030342.

Allele frequency attached by ClinVar (database versions not stated): ExAC 0.00001.

Submissions (2):

Ambry Genetics
Classification: Uncertain significance for Inborn genetic diseases. Last evaluated: 2021-08-12. Review status: criteria provided, single submitter. Criteria: Ambry Variant Classification Scheme 2023. Collection method: clinical testing. Allele origin: germline.

Juno Genomics, Hangzhou Juno Genomics, Inc
Classification: Uncertain significance for Fetal akinesia, respiratory insufficiency, microcephaly, polymicrogyria, and dysmorphic facies. Review status: criteria provided, single submitter. Criteria: ACMG Guidelines, 2015. Collection method: clinical testing. Allele origin: germline.
Comment: Missense variant in a gene that has a low rate of benign missense variation.;Multiple lines of computational evidence support a deleterious effect on the gene or gene product.;Absent from controls (or at extremely low frequency if recessive) in Genome Aggregation Database.